The following is an entry in ClinVar:

ClinVar aggregate classification (germline): Pathogenic/Likely pathogenic. Review status: criteria provided, multiple submitters, no conflicts (2 of 4 stars). 7 submissions from 7 submitters: Pathogenic (5); Likely pathogenic (1). 1 of the submissions does not count toward it. Last evaluated 2024-07-30.

Conditions:
Usher syndrome type 1D (USH1D). Also called: USHER SYNDROME, TYPE ID. Identifiers: Orphanet 231169, Orphanet 886, MedGen C1832845, MONDO:0010984, OMIM 601067.
Usher syndrome type 1F (USH1F). Also called: USHER SYNDROME, TYPE IF. Identifiers: Orphanet 231169, Orphanet 886, MedGen C1865885, MONDO:0011186, OMIM 602083.
Autosomal recessive nonsyndromic hearing loss 23. Identifiers: Orphanet 90636, MedGen C1836027, MONDO:0012293, OMIM 609533.

gnomAD v4.1: 9 of 1,612,326 alleles (0.00056%); highest among the groups gnomAD compares: East Asian, 0.0067%; no homozygotes.

Submissions (7):

Genetics and Genomic Medicine Centre, NeuroGen Healthcare, NeuroGen Healthcare
Classification: Pathogenic for Autosomal recessive nonsyndromic hearing loss 23. Last evaluated: 2024-07-30. Review status: criteria provided, single submitter. Criteria: ACMG Guidelines, 2015. Collection method: clinical testing. Allele origin: unknown. Affected: no.

Natera, Inc.
Classification: Pathogenic for Usher syndrome type 1F. Last evaluated: 2024-03-22. Review status: criteria provided, single submitter. Criteria: Natera Variant Classification Schema (03/2026). Collection method: clinical testing. Allele origin: germline.
Comment: The c.3717+1G>A variant in PCDH15 is a canonical splice donor site variant predicted to affect pre-mRNA splicing, which may result in an abnormal transcript and altered protein product. This variant may result in a truncated or dysfunctional protein product. This variant is rare in the general population with a frequency below the threshold expected for the associated phenotype(s). This variant has been observed in one or more individuals affected with the associated recessive disease, as either homozygous or compound heterozygous with a second variant (PMID: 22135276). Another variant at this same site results in an alteration predicted to cause a similar molecular effect has been observed in individual(s) with the associated phenotype. Given the available evidence, this variant is classified as Pathogenic.

Fulgent Genetics
Classification: Likely pathogenic for Usher syndrome type 1D; Usher syndrome type 1F; Autosomal recessive nonsyndromic hearing loss 23. Last evaluated: 2024-02-17. Review status: criteria provided, single submitter. Criteria: ACMG Guidelines, 2015. Collection method: clinical testing. Allele origin: germline.

Baylor Genetics
Classification: Pathogenic for Autosomal recessive nonsyndromic hearing loss 23. Last evaluated: 2023-04-01. Review status: criteria provided, single submitter. Criteria: ACMG Guidelines, 2015. Collection method: clinical testing. Allele origin: unknown.

Labcorp Genetics (formerly Invitae), Labcorp
Classification: Pathogenic. Last evaluated: 2022-11-01. Review status: criteria provided, single submitter. Criteria: Invitae Variant Classification Sherloc (09022015). Collection method: clinical testing. Allele origin: germline.
Comment: For these reasons, this variant has been classified as Pathogenic. This sequence change affects a donor splice site in intron 27 of the PCDH15 gene. It is expected to disrupt RNA splicing. Variants that disrupt the donor or acceptor splice site typically lead to a loss of protein function (PMID: 16199547), and loss-of-function variants in PCDH15 are known to be pathogenic (PMID: 11398101, 11487575, 14570705). This variant is not present in population databases (gnomAD no frequency). Disruption of this splice site has been observed in individuals with Usher syndrome (PMID: 18719945, 22135276). ClinVar contains an entry for this variant (Variation ID: 189083). Algorithms developed to predict the effect of sequence changes on RNA splicing suggest that this variant may disrupt the consensus splice site.

Women's Health and Genetics/Laboratory Corporation of America, LabCorp
Classification: Pathogenic for Usher syndrome type 1F. Last evaluated: 2021-12-30. Review status: criteria provided, single submitter. Criteria: LabCorp Variant Classification Summary - May 2015. Collection method: clinical testing. Allele origin: germline.
Comment: Variant summary: PCDH15 c.3717+1G>A is located in a canonical splice-site and is predicted to affect mRNA splicing resulting in a significantly altered protein due to either exon skipping, shortening, or inclusion of intronic material. Several computational tools predict a significant impact on normal splicing: Four predict the variant abolishes the canonical 5' splicing donor site. However, these predictions have yet to be confirmed by functional studies. The variant was absent in 250906 control chromosomes. c.3717+1G>A has been reported in the literature as compound heterozygous or homozygous genotypes in multiple comprehensively analyzed individuals affected with Usher Syndrome Type 1F (example, Le Quesne Stabej_2012, Bonnet_2016, Patel_2018). These data indicate that the variant is very likely to be associated with disease. To our knowledge, no experimental evidence demonstrating an impact on protein function has been reported. No clinical diagnostic laboratories have submitted clinical-significance assessments for this variant to ClinVar after 2014. Based on the evidence outlined above, the variant was classified as pathogenic.

Counsyl
Classification: Likely pathogenic for Usher syndrome, type 1F. Last evaluated: 2014-12-10. Review status: no assertion criteria provided. Collection method: literature only. Allele origin: unknown. Inheritance: Autosomal recessive inheritance. Not counted in ClinVar's aggregate classification.

Literature cited by the submitters: PubMed 22135276 (cited by 4 submitters); PubMed 16199547 (cited by Labcorp Genetics (formerly Invitae), Labcorp); PubMed 11398101 (cited by Labcorp Genetics (formerly Invitae), Labcorp); PubMed 11487575 (cited by Labcorp Genetics (formerly Invitae), Labcorp); PubMed 14570705 (cited by Labcorp Genetics (formerly Invitae), Labcorp); PubMed 18719945 (cited by Labcorp Genetics (formerly Invitae), Labcorp); PubMed 27460420 (cited by Women's Health and Genetics/Laboratory Corporation of America, LabCorp); PubMed 30054919 (cited by Women's Health and Genetics/Laboratory Corporation of America, LabCorp).

NM_001384140.1(PCDH15):c.3717+1G>A

Gene: PCDH15 (protocadherin related 15; minus strand). Cytogenetic location: 10q21.1.
Variant type: single nucleotide variant.
Coding change: c.3717+1G>A on transcript NM_001384140.1 (MANE Select); the canonical splice donor site of the intron after coding-DNA position 3717, G replaced by A.
Molecular consequence: splice donor variant.
Genome position (GRCh38, 1-based): chr10:53,866,641, C>T on the plus strand (G>A on the coding strand, the complement: PCDH15 is on the minus strand). VCF-style: chr10-53866641-C-T. GRCh37 (hg19) VCF-style: chr10-55626401-C-T.
Other names: c.3717+1G>A (NM_001354420.2, NM_001354429.2, NM_001142772.2 and 4 more transcripts); c.3732+1G>A (NM_001142771.2, NM_001142763.2); c.3738+1G>A (NM_001354411.2); c.3753+1G>A (NM_001142769.3); c.3651+1G>A (NM_001354404.2, NM_001142773.2, NM_001142768.2); c.3606+1G>A (NM_001142767.2); c.3504+1G>A (NM_001142765.2).
Identifiers: ClinVar variation 189083 (VCV000189083.14), dbSNP rs748706627, ClinGen allele CA274358.